The following is an entry in ClinVar:

ClinVar aggregate classification (germline): Uncertain significance (1 of 4 stars; one submission).

Conditions:
Hereditary spastic paraplegia 11. Also called: Spastic paraplegia, mental retardation and thin corpus callosum; Nakamura Osame syndrome; Autosomal recessive hereditary spastic paraplegia, mental impairment, and thin corpus callosum; SPASTIC PARAPLEGIA, AUTOSOMAL RECESSIVE, COMPLICATED, WITH THIN CORPUS CALLOSUM; SPASTIC PARAPLEGIA, AUTOSOMAL RECESSIVE, WITH MENTAL IMPAIRMENT AND THIN CORPUS CALLOSUM; Spastic Paraplegia 11. Identifiers: Orphanet 2822, MedGen C1858479, MONDO:0011445, OMIM 604360.

Allele frequency attached by ClinVar (database versions not stated): gnomAD exomes below 0.00001; ExAC 0.00001; gnomAD 0.00001; TOPMed 0.00001; ESP Exome Variant Server 0.00008.
gnomAD v4.1: 6 of 1,613,992 alleles (0.00037%); highest among the groups gnomAD compares: Non-Finnish European, 0.00051%; no homozygotes.

Submission:

Labcorp Genetics (formerly Invitae), Labcorp
Classification: Uncertain significance for Hereditary spastic paraplegia 11. Last evaluated: 2022-01-26. Review status: criteria provided, single submitter. Criteria: Invitae Variant Classification Sherloc (09022015). Collection method: clinical testing. Allele origin: germline.
Comment: In summary, the available evidence is currently insufficient to determine the role of this variant in disease. Therefore, it has been classified as a Variant of Uncertain Significance. Algorithms developed to predict the effect of missense changes on protein structure and function are either unavailable or do not agree on the potential impact of this missense change (SIFT: "Tolerated"; PolyPhen-2: "Possibly Damaging"; Align-GVGD: "Class C0"). ClinVar contains an entry for this variant (Variation ID: 999284). This variant has not been reported in the literature in individuals affected with SPG11-related conditions. The frequency data for this variant in the population databases is considered unreliable, as metrics indicate poor data quality at this position in the gnomAD database. This sequence change replaces glutamine, which is neutral and polar, with arginine, which is basic and polar, at codon 1231 of the SPG11 protein (p.Gln1231Arg).

NM_025137.4(SPG11):c.3692A>G (p.Gln1231Arg)

Gene: SPG11 (SPG11 vesicle trafficking associated, spatacsin; minus strand). Cytogenetic location: 15q21.1.
Variant type: single nucleotide variant.
Coding change: c.3692A>G on transcript NM_025137.4 (MANE Select); coding-DNA position 3692, A replaced by G.
Protein change: p.Gln1231Arg; replaces glutamine 1231 with arginine.
Molecular consequence: missense variant.
Genome position (GRCh38, 1-based): chr15:44,598,831, T>C on the plus strand (A>G on the coding strand, the complement: SPG11 is on the minus strand). VCF-style: chr15-44598831-T-C. GRCh37 (hg19) VCF-style: chr15-44891029-T-C.
Other names: c.3692A>G, p.Gln1231Arg (NM_001160227.2); short protein forms Q1231R.
Identifiers: ClinVar variation 999284 (VCV000999284.8), dbSNP rs374647717, ClinGen allele CA7534864.